The following is an entry in ClinVar:

NM_000222.3(KIT):c.166C>G (p.Leu56Val)

Gene: KIT (KIT proto-oncogene, receptor tyrosine kinase; plus strand). Cytogenetic location: 4q12.
Variant type: single nucleotide variant.
Coding change: c.166C>G on transcript NM_000222.3 (MANE Select); coding-DNA position 166, C replaced by G.
Protein change: p.Leu56Val; replaces leucine 56 with valine.
Molecular consequence: missense variant.
Genome position (GRCh38, 1-based): chr4:54,695,610, C>G. VCF-style: chr4-54695610-C-G. GRCh37 (hg19) VCF-style: chr4-55561776-C-G.
Other names: c.166C>G, p.Leu56Val (NM_001093772.2, NM_001385284.1, NM_001385285.1 and 4 more transcripts); short protein forms L56V.
Identifiers: ClinVar variation 2730650 (VCV002730650.3), dbSNP rs1060504651, ClinGen allele CA356896971.

ClinVar aggregate classification (germline): Uncertain significance (1 of 4 stars; one submission).

Conditions:
Gastrointestinal stromal tumor. Also called: Gastrointestinal stromal tumor, somatic; Gastrointestinal stroma tumor. Identifiers: Orphanet 44890, MedGen C0238198, MeSH D046152, MONDO:0011719, OMIM 606764, HP:0100723.

Submission:

Labcorp Genetics (formerly Invitae), Labcorp
Classification: Uncertain significance for Gastrointestinal stromal tumor. Last evaluated: 2023-06-27. Review status: criteria provided, single submitter. Criteria: Invitae Variant Classification Sherloc (09022015). Collection method: clinical testing. Allele origin: germline.
Comment: This sequence change replaces leucine, which is neutral and non-polar, with valine, which is neutral and non-polar, at codon 56 of the KIT protein (p.Leu56Val). In summary, the available evidence is currently insufficient to determine the role of this variant in disease. Therefore, it has been classified as a Variant of Uncertain Significance. An algorithm developed to predict the effect of missense changes on protein structure and function (PolyPhen-2) suggests that this variant is likely to be disruptive. This variant has not been reported in the literature in individuals affected with KIT-related conditions. This variant is not present in population databases (gnomAD no frequency).